The following is an entry in ClinVar:

NM_000264.5(PTCH1):c.3173T>C (p.Met1058Thr)

Gene: PTCH1 (patched 1; minus strand). Cytogenetic location: 9q22.32.
Variant type: single nucleotide variant.
Coding change: c.3173T>C on transcript NM_000264.5 (MANE Select); coding-DNA position 3173, T replaced by C.
Protein change: p.Met1058Thr; replaces methionine 1058 with threonine.
Molecular consequence: missense variant. On other transcripts: non-coding transcript variant (1).
Genome position (GRCh38, 1-based): chr9:95,456,409, A>G on the plus strand (T>C on the coding strand, the complement: PTCH1 is on the minus strand). VCF-style: chr9-95456409-A-G. GRCh37 (hg19) VCF-style: chr9-98218691-A-G.
Other names: c.2975T>C, p.Met992Thr (NM_001083602.3); c.3170T>C, p.Met1057Thr (NM_001083603.3); c.2720T>C, p.Met907Thr (NM_001083604.3, NM_001083605.3, NM_001083606.3 and 1 more transcripts); c.3017T>C, p.Met1006Thr (NM_001354918.2); short protein forms M1058T, M1057T, M907T, M992T, M1006T.
Identifiers: ClinVar variation 2193475 (VCV002193475.5), dbSNP rs2136650433, ClinGen allele CA374112224.

ClinVar aggregate classification (germline): Conflicting classifications of pathogenicity. Review status: criteria provided, conflicting classifications (1 of 4 stars). 2 submissions from 2 submitters: Uncertain significance (1); Likely benign (1). Last evaluated 2026-03-30.

Conditions:
Hereditary cancer-predisposing syndrome. Also called: Tumor predisposition; Hereditary Cancer Syndrome; Hereditary neoplastic syndrome; Neoplastic Syndromes, Hereditary. Identifiers: Orphanet 140162, MedGen C0027672, MeSH D009386, MONDO:0015356.
Gorlin syndrome. Also called: Nevoid Basal Cell Carcinoma Syndrome; Basal cell nevus syndrome. Identifiers: Orphanet 377, MedGen C0004779, MONDO:0007187.

Submissions (2):

Ambry Genetics
Classification: Likely benign for Hereditary cancer-predisposing syndrome. Last evaluated: 2026-03-30. Review status: criteria provided, single submitter. Criteria: Ambry Variant Classification Scheme 2023. Collection method: clinical testing. Allele origin: germline.

Labcorp Genetics (formerly Invitae), Labcorp
Classification: Uncertain significance for Gorlin syndrome. Last evaluated: 2024-05-07. Review status: criteria provided, single submitter. Criteria: Invitae Variant Classification Sherloc (09022015). Collection method: clinical testing. Allele origin: germline.
Comment: This sequence change replaces methionine, which is neutral and non-polar, with threonine, which is neutral and polar, at codon 1058 of the PTCH1 protein (p.Met1058Thr). This variant is not present in population databases (gnomAD no frequency). This variant has not been reported in the literature in individuals affected with PTCH1-related conditions. ClinVar contains an entry for this variant (Variation ID: 2193475). Advanced modeling of protein sequence and biophysical properties (such as structural, functional, and spatial information, amino acid conservation, physicochemical variation, residue mobility, and thermodynamic stability) performed at Invitae indicates that this missense variant is not expected to disrupt PTCH1 protein function with a negative predictive value of 95%. In summary, the available evidence is currently insufficient to determine the role of this variant in disease. Therefore, it has been classified as a Variant of Uncertain Significance.